The following is an entry in ClinVar:

NM_004667.6(HERC2):c.5577A>T (p.Ser1859=)

Gene: HERC2 (HECT and RLD domain containing E3 ubiquitin protein ligase 2; minus strand). Cytogenetic location: 15q13.1.
Variant type: single nucleotide variant.
Coding change: c.5577A>T on transcript NM_004667.6 (MANE Select); coding-DNA position 5577, A replaced by T.
Protein change: p.Ser1859=; no amino-acid change (serine 1859 retained).
Molecular consequence: synonymous variant.
Genome position (GRCh38, 1-based): chr15:28,222,103, T>A on the plus strand (A>T on the coding strand, the complement: HERC2 is on the minus strand). VCF-style: chr15-28222103-T-A. GRCh37 (hg19) VCF-style: chr15-28467249-T-A.
Identifiers: ClinVar variation 1176626 (VCV001176626.35), dbSNP rs200997244, ClinGen allele CA7442307.
Genomic context (GRCh38, chr15:28,222,103, plus strand): 5'-CCAGTCCACACCTCTCATGACCCTTGTTCCAATCTTCATCATGGCAGCCAGTTCTGGTCC[T>A]GAAACAGGGAGCTGCACAGGAGCCGTTTCCTTCCTTGTTTCTTCCAAAACTGTGGCAGAA-3'
Protein context (NP_004658.3, residues 1849-1869): KETAPVQLPV[Ser1859=]GPELAAMMKI

ClinVar aggregate classification (germline): Likely benign (1 of 4 stars; one submission).

Allele frequency attached by ClinVar (database versions not stated): 1000 Genomes Project 0.00020; 1000 Genomes Project 30x 0.00031; gnomAD exomes 0.00148 and 0.00219; ExAC 0.00192; gnomAD 0.00278 and 0.00286.
gnomAD v4.1: 2,178 of 962,216 alleles (0.23%); highest among the groups gnomAD compares: Non-Finnish European, 0.16%; 19 homozygotes.

Submission:

CeGaT Center for Human Genetics Tuebingen
Classification: Likely benign. Last evaluated: 2026-08-01. Review status: criteria provided, single submitter. Criteria: CeGaT Center For Human Genetics Tuebingen Variant Classification Criteria Version 2. Collection method: clinical testing. Allele origin: germline. Affected: yes. Observed: 11 variant alleles.
Comment: HERC2: BP4, BP7